The following is an entry in ClinVar:

NM_005765.3(ATP6AP2):c.778G>A (p.Val260Met)

Gene: ATP6AP2 (ATPase H+ transporting accessory protein 2; plus strand). Cytogenetic location: Xp11.4.
Variant type: single nucleotide variant.
Coding change: c.778G>A on transcript NM_005765.3 (MANE Select); coding-DNA position 778, G replaced by A.
Protein change: p.Val260Met; replaces valine 260 with methionine.
Molecular consequence: missense variant.
Genome position (GRCh38, 1-based): chrX:40,600,801, G>A. VCF-style: chrX-40600801-G-A. GRCh37 (hg19) VCF-style: chrX-40460053-G-A.
Other names: p.V260M:GTG>ATG; short protein forms V260M.
Identifiers: ClinVar variation 204919 (VCV000204919.2), dbSNP rs796052284, ClinGen allele CA313367.

ClinVar aggregate classification (germline): Uncertain significance (1 of 4 stars; one submission).

Submission:

GeneDx
Classification: Uncertain significance. Last evaluated: 2013-12-09. Review status: criteria provided, single submitter. Criteria: GeneDx Variant Classification (06012015). Collection method: clinical testing. Allele origin: germline. Affected: yes.
Comment: p.Val260Met (GTG>ATG): c.778 G>A in exon 8 of the ATP6AP2 gene (NM_005765.2). The Val260Met missense change in the ATP6AP2 gene has not been published as a mutation, nor has it been reported as a benign polymorphism to our knowledge. It was not observed in approximately 5,300 individuals of European and African American ancestry in the NHLBI Exome Sequencing Project, indicating it is not a common benign variant in these populations. This variant is a conservative substitution of one uncharged, non-polar amino acid for another at a position that is conserved across species. In silico analysis is inconsistent with regard to the effect this variant may have on the protein structure/function. Additionally, to-date missense mutations have not been reported in the ATP6AP2 gene. Therefore, based on the currently available information, it is unclear whether Val260Met is a disease-causing mutation or a rare benign variant. The variant is found in EPILEPSY panel(s).